The following is an entry in ClinVar:

ClinVar aggregate classification (germline): Conflicting classifications of pathogenicity. Review status: criteria provided, conflicting classifications (1 of 4 stars). 8 submissions from 8 submitters: Uncertain significance (1); Benign (1); Likely benign (5). 1 of the submissions does not count toward it. Last evaluated 2026-02-01.

Conditions:
SPECC1L-related disorder. Also called: SPECC1L-related condition.
Teebi hypertelorism syndrome. Identifiers: Orphanet 1519, MedGen C0796179, MONDO:0030639.
Inborn genetic diseases. Identifiers: MedGen C0950123, MeSH D030342.

Allele frequency attached by ClinVar (database versions not stated): 1000 Genomes Project 30x 0.00078; 1000 Genomes Project 0.00080; TOPMed 0.00370; ExAC 0.00377; gnomAD 0.00383 and 0.00439; gnomAD exomes 0.00385 and 0.00537; ESP Exome Variant Server 0.00400.
gnomAD v4.1: 8,528 of 1,614,014 alleles (0.53%); highest among the groups gnomAD compares: Middle Eastern, 0.8%; 41 homozygotes.

Submissions (8):

CeGaT Center for Human Genetics Tuebingen
Classification: Likely benign. Last evaluated: 2026-02-01. Review status: criteria provided, single submitter. Criteria: CeGaT Center For Human Genetics Tuebingen Variant Classification Criteria Version 2. Collection method: clinical testing. Allele origin: germline. Affected: yes. Observed: 17 variant alleles.
Comment: SPECC1L: BP4, BS2

Labcorp Genetics (formerly Invitae), Labcorp
Classification: Benign. Last evaluated: 2026-01-15. Review status: criteria provided, single submitter. Criteria: Invitae Variant Classification Sherloc (09022015). Collection method: clinical testing. Allele origin: germline.

Genomic Medicine Center of Excellence, King Faisal Specialist Hospital and Research Centre
Classification: Likely benign. Last evaluated: 2025-08-18. Review status: criteria provided, single submitter. Criteria: ACMG Guidelines, 2015. Collection method: clinical testing. Allele origin: germline.

Blueprint Genetics
Classification: Likely benign. Last evaluated: 2024-11-25. Review status: criteria provided, single submitter. Criteria: ACMG Guidelines, 2015. Collection method: clinical testing. Allele origin: germline.

Ambry Genetics
Classification: Uncertain significance for Inborn genetic diseases. Last evaluated: 2021-06-02. Review status: criteria provided, single submitter. Criteria: Ambry Variant Classification Scheme 2023. Collection method: clinical testing. Allele origin: germline.

Mendelics
Classification: Likely benign for Teebi hypertelorism syndrome 1. Last evaluated: 2019-05-28. Review status: criteria provided, single submitter. Criteria: Mendelics Assertion Criteria 2017. Collection method: clinical testing. Allele origin: unknown.

Breakthrough Genomics
Classification: Likely benign. Review status: criteria provided, single submitter. Criteria: ACMG Guidelines, 2015. Collection method: not provided. Allele origin: germline. Inheritance: Autosomal dominant inheritance. Affected: yes.

PreventionGenetics, part of Exact Sciences
Classification: Likely benign for SPECC1L-related condition. Last evaluated: 2019-06-21. Review status: no assertion criteria provided. Collection method: clinical testing. Allele origin: germline. Not counted in ClinVar's aggregate classification.
Comment: This variant is classified as likely benign based on ACMG/AMP sequence variant interpretation guidelines (Richards et al. 2015 PMID: 25741868, with internal and published modifications).

NM_015330.6(SPECC1L):c.293C>T (p.Ser98Phe)

Genes: SPECC1L (sperm antigen with calponin homology and coiled-coil domains 1 like; plus strand), SPECC1L-ADORA2A (SPECC1L-ADORA2A readthrough (NMD candidate); plus strand). Cytogenetic location: 22q11.23.
Variant type: single nucleotide variant.
Coding change: c.293C>T on transcript NM_015330.6 (MANE Select); coding-DNA position 293, C replaced by T.
Protein change: p.Ser98Phe; replaces serine 98 with phenylalanine.
Molecular consequence: missense variant. On other transcripts: non-coding transcript variant (1).
Genome position (GRCh38, 1-based): chr22:24,313,452, C>T. VCF-style: chr22-24313452-C-T. GRCh37 (hg19) VCF-style: chr22-24709420-C-T.
Other names: c.293C>T (NM_015330.2); c.293C>T, p.Ser98Phe (NM_001145468.4, NM_001254732.3); short protein forms S98F.
Identifiers: ClinVar variation 713241 (VCV000713241.39), dbSNP rs35783914, ClinGen allele CA10151913.
Genomic context (GRCh38, chr22:24,313,452, plus strand): 5'-CCTGCCCATCTGCAGCACCTTCAGCATCTGCCCCTGCCATGACCACCGTGGAGAACAAAT[C>T]CAAGATTAGCACAGGTAACGGTGACATTCAGTCTGAGACTTCAACTGCTTTTTTGTTTGA-3'
Protein context (NP_056145.5, residues 88-108): APAMTTVENK[Ser98Phe]KISTGTASST